The following is an entry in ClinVar:

ClinVar aggregate classification (germline): Uncertain significance. Review status: criteria provided, multiple submitters, no conflicts (2 of 4 stars). 2 submissions from 2 submitters: Uncertain significance (2). Last evaluated 2025-12-12.

Conditions:
Amyotrophic lateral sclerosis type 21. Also called: VOCAL CORD AND PHARYNGEAL DYSFUNCTION WITH DISTAL MYOPATHY; MYOPATHY, DISTAL, 2. Identifiers: Orphanet 600, Orphanet 803, MedGen C3807521, MONDO:0011632, OMIM 606070.

Allele frequency attached by ClinVar (database versions not stated): gnomAD 0.00003; TOPMed 0.00003.
gnomAD v4.1: 27 of 1,614,050 alleles (0.0017%); highest among the groups gnomAD compares: Admixed American, 0.0033%; no homozygotes.

Submissions (2):

Labcorp Genetics (formerly Invitae), Labcorp
Classification: Uncertain significance for Amyotrophic lateral sclerosis type 21. Last evaluated: 2025-12-12. Review status: criteria provided, single submitter. Criteria: Invitae Variant Classification Sherloc (09022015). Collection method: clinical testing. Allele origin: germline.
Comment: This sequence change replaces threonine, which is neutral and polar, with lysine, which is basic and polar, at codon 758 of the MATR3 protein (p.Thr758Lys). This variant is present in population databases (rs757346695, gnomAD 0.006%). This missense change has been observed in individual(s) with amyotrophic lateral sclerosis (PMID: 37952009). This variant is also known as c.1409C>A. ClinVar contains an entry for this variant (Variation ID: 640602). Invitae Evidence Modeling of protein sequence and biophysical properties (such as structural, functional, and spatial information, amino acid conservation, physicochemical variation, residue mobility, and thermodynamic stability) indicates that this missense variant is not expected to disrupt MATR3 protein function with a negative predictive value of 80%. In summary, the available evidence is currently insufficient to determine the role of this variant in disease. Therefore, it has been classified as a Variant of Uncertain Significance.

Revvity Omics, Revvity
Classification: Uncertain significance for Amyotrophic lateral sclerosis type 21. Last evaluated: 2019-06-25. Review status: criteria provided, single submitter. Criteria: ACMG Guidelines, 2015. Collection method: clinical testing. Allele origin: germline.

Literature cited by the submitters: PubMed 37952009 (cited by Labcorp Genetics (formerly Invitae), Labcorp).

NM_018834.6(MATR3):c.2273C>A (p.Thr758Lys)

Gene: MATR3 (matrin 3; plus strand). Cytogenetic location: 5q31.2.
Variant type: single nucleotide variant.
Coding change: c.2273C>A on transcript NM_018834.6 (MANE Select); coding-DNA position 2273, C replaced by A.
Protein change: p.Thr758Lys; replaces threonine 758 with lysine.
Molecular consequence: missense variant.
Genome position (GRCh38, 1-based): chr5:139,325,564, C>A. VCF-style: chr5-139325564-C-A. GRCh37 (hg19) VCF-style: chr5-138661253-C-A.
Other names: c.2273C>A, p.Thr758Lys (NM_001194954.2, NM_001194955.2, NM_199189.3); c.1409C>A, p.Thr470Lys (NM_001194956.2); c.1259C>A, p.Thr420Lys (NM_001282278.2); short protein forms T470K, T758K, T420K.
Identifiers: ClinVar variation 640602 (VCV000640602.11), dbSNP rs757346695, ClinGen allele CA3433407.